The following is an entry in ClinVar:

ClinVar aggregate classification (germline): Uncertain significance (1 of 4 stars; one submission).

Submission:

Labcorp Genetics (formerly Invitae), Labcorp
Classification: Uncertain significance. Last evaluated: 2024-09-20. Review status: criteria provided, single submitter. Criteria: Invitae Variant Classification Sherloc (09022015). Collection method: clinical testing. Allele origin: germline.
Comment: This sequence change replaces phenylalanine, which is neutral and non-polar, with leucine, which is neutral and non-polar, at codon 286 of the CTU2 protein (p.Phe286Leu). This variant is not present in population databases (gnomAD no frequency). This variant has not been reported in the literature in individuals affected with CTU2-related conditions. Invitae Evidence Modeling of protein sequence and biophysical properties (such as structural, functional, and spatial information, amino acid conservation, physicochemical variation, residue mobility, and thermodynamic stability) indicates that this missense variant is expected to disrupt CTU2 protein function with a positive predictive value of 80%. In summary, the available evidence is currently insufficient to determine the role of this variant in disease. Therefore, it has been classified as a Variant of Uncertain Significance.

NM_001012759.3(CTU2):c.858C>G (p.Phe286Leu)

Gene: CTU2 (cytosolic thiouridylase subunit 2; plus strand). Cytogenetic location: 16q24.3.
Variant type: single nucleotide variant.
Coding change: c.858C>G on transcript NM_001012759.3 (MANE Select); coding-DNA position 858, C replaced by G.
Protein change: p.Phe286Leu; replaces phenylalanine 286 with leucine.
Molecular consequence: missense variant.
Genome position (GRCh38, 1-based): chr16:88,713,432, C>G. VCF-style: chr16-88713432-C-G. GRCh37 (hg19) VCF-style: chr16-88779840-C-G.
Other names: c.1071C>G, p.Phe357Leu (NM_001318507.2); c.597C>G, p.Phe199Leu (NM_001318513.2); c.858C>G, p.Phe286Leu (NM_001012762.3); short protein forms F199L, F286L, F357L.
Identifiers: ClinVar variation 3667029 (VCV003667029.2).